The following is an entry in ClinVar:

ClinVar aggregate classification (germline): Likely pathogenic (1 of 4 stars; one submission).

Conditions:
Hereditary cancer-predisposing syndrome. Also called: Neoplastic Syndromes, Hereditary; Tumor predisposition; Hereditary neoplastic syndrome; Hereditary Cancer Syndrome. Identifiers: Orphanet 140162, MedGen C0027672, MeSH D009386, MONDO:0015356.

Submission:

Ambry Genetics
Classification: Likely pathogenic for Hereditary cancer-predisposing syndrome. Last evaluated: 2018-06-07. Review status: criteria provided, single submitter. Criteria: Ambry Variant Classification Scheme 2023. Collection method: clinical testing. Allele origin: germline.
Comment: The c.551+2T>A intronic variant results from a T to A substitution two nucleotides after coding exon 4 in the RAD50 gene. This nucleotide position is highly conserved in available vertebrate species. Using the BDGP and ESEfinder splice site prediction tools, this alteration is predicted to abolish the native splice donor site; however, direct evidence is unavailable. Alterations that disrupt the canonical splice site are expected to cause aberrant splicing, resulting in an abnormal protein or a transcript that is subject to nonsense-mediated mRNA decay. As such, this alteration is classified as likely pathogenic.

NM_005732.4(RAD50):c.551+2T>A

Gene: RAD50 (RAD50 double strand break repair protein; plus strand). Cytogenetic location: 5q31.1.
Variant type: single nucleotide variant.
Coding change: c.551+2T>A on transcript NM_005732.4 (MANE Select); the canonical splice donor site of the intron after coding-DNA position 551, T replaced by A.
Molecular consequence: splice donor variant.
Genome position (GRCh38, 1-based): chr5:132,579,504, T>A. VCF-style: chr5-132579504-T-A. GRCh37 (hg19) VCF-style: chr5-131915196-T-A.
Identifiers: ClinVar variation 825796 (VCV000825796.4), dbSNP rs1580987375, ClinGen allele CA360935276.